The following is an entry in ClinVar:

NM_004629.2(FANCG):c.587C>T (p.Thr196Ile)

Gene: FANCG (FA complementation group G; minus strand). Cytogenetic location: 9p13.3.
Variant type: single nucleotide variant.
Coding change: c.587C>T on transcript NM_004629.2 (MANE Select); coding-DNA position 587, C replaced by T.
Protein change: p.Thr196Ile; replaces threonine 196 with isoleucine.
Molecular consequence: missense variant.
Genome position (GRCh38, 1-based): chr9:35,077,323, G>A on the plus strand (C>T on the coding strand, the complement: FANCG is on the minus strand). VCF-style: chr9-35077323-G-A. GRCh37 (hg19) VCF-style: chr9-35077320-G-A.
Other names: short protein forms T196I.
Identifiers: ClinVar variation 2490381 (VCV002490381.6), dbSNP rs750650628, ClinGen allele CA5040003.

ClinVar aggregate classification (germline): Uncertain significance. Review status: criteria provided, multiple submitters, no conflicts (2 of 4 stars). 2 submissions from 2 submitters: Uncertain significance (2). Last evaluated 2025-07-12.

Conditions:
Fanconi anemia (FA). Also called: Fanconi's anemia. Identifiers: Orphanet 84, MedGen C0015625, MeSH D005199, MONDO:0019391.
Inborn genetic diseases. Identifiers: MedGen C0950123, MeSH D030342.

Allele frequency attached by ClinVar (database versions not stated): gnomAD 0.00001; gnomAD exomes 0.00001; TOPMed 0.00001; ExAC 0.00003.

Submissions (2):

Ambry Genetics
Classification: Uncertain significance for Inborn genetic diseases. Last evaluated: 2025-07-12. Review status: criteria provided, single submitter. Criteria: Ambry Variant Classification Scheme 2023. Collection method: clinical testing. Allele origin: germline.
Comment: The p.T196I variant (also known as c.587C>T), located in coding exon 5 of the FANCG gene, results from a C to T substitution at nucleotide position 587. The threonine at codon 196 is replaced by isoleucine, an amino acid with similar properties. This amino acid position is conserved. In addition, this alteration is predicted to be tolerated by in silico analysis. Based on the available evidence, the clinical significance of this variant remains unclear.

Labcorp Genetics (formerly Invitae), Labcorp
Classification: Uncertain significance for Fanconi anemia. Last evaluated: 2025-02-03. Review status: criteria provided, single submitter. Criteria: Invitae Variant Classification Sherloc (09022015). Collection method: clinical testing. Allele origin: germline.
Comment: This sequence change replaces threonine, which is neutral and polar, with isoleucine, which is neutral and non-polar, at codon 196 of the FANCG protein (p.Thr196Ile). This variant is present in population databases (rs750650628, gnomAD 0.01%). This variant has not been reported in the literature in individuals affected with FANCG-related conditions. ClinVar contains an entry for this variant (Variation ID: 2490381). Invitae Evidence Modeling of protein sequence and biophysical properties (such as structural, functional, and spatial information, amino acid conservation, physicochemical variation, residue mobility, and thermodynamic stability) indicates that this missense variant is not expected to disrupt FANCG protein function with a negative predictive value of 80%. In summary, the available evidence is currently insufficient to determine the role of this variant in disease. Therefore, it has been classified as a Variant of Uncertain Significance.